The following is an entry in ClinVar:

NM_021956.5(GRIK2):c.1263A>G (p.Pro421=)

Gene: GRIK2 (glutamate ionotropic receptor kainate type subunit 2; plus strand). Cytogenetic location: 6q16.3.
Variant type: single nucleotide variant.
Coding change: c.1263A>G on transcript NM_021956.5 (MANE Select); coding-DNA position 1263, A replaced by G.
Protein change: p.Pro421=; no amino-acid change (proline 421 retained).
Molecular consequence: synonymous variant.
Genome position (GRCh38, 1-based): chr6:101,818,429, A>G. VCF-style: chr6-101818429-A-G. GRCh37 (hg19) VCF-style: chr6-102266304-A-G.
Other names: c.1263A>G, p.Pro421= (NM_001166247.1, NM_175768.3).
Identifiers: ClinVar variation 3778144 (VCV003778144.7).
Genomic context (GRCh38, chr6:101,818,429, plus strand): 5'-GATTGGAACGTGGGATCCAGCCAGTGGCCTGAATATGACAGAAAGTCAAAAGGGAAAGCC[A>G]GCGAACATCACAGATTCCTTATCCAATCGTTCTTTGATTGTTACCACCATTTTGGTAAGT-3'
Protein context (NP_068775.1, residues 411-431): LNMTESQKGK[Pro421=]ANITDSLSNR

ClinVar aggregate classification (germline): Likely benign (1 of 4 stars; one submission).

gnomAD v4.1: 7 of 1,612,250 alleles (0.00043%); highest among the groups gnomAD compares: Non-Finnish European, 0.00059%; no homozygotes.

Submission:

CeGaT Center for Human Genetics Tuebingen
Classification: Likely benign. Last evaluated: 2025-03-01. Review status: criteria provided, single submitter. Criteria: CeGaT Center For Human Genetics Tuebingen Variant Classification Criteria Version 2. Collection method: clinical testing. Allele origin: germline. Affected: yes. Observed: 1 variant allele.
Comment: GRIK2: BP4, BP7